The following is an entry in ClinVar:

ClinVar aggregate classification (germline): Pathogenic (1 of 4 stars; one submission).

Submission:

Labcorp Genetics (formerly Invitae), Labcorp
Classification: Pathogenic. Last evaluated: 2025-03-07. Review status: criteria provided, single submitter. Criteria: Invitae Variant Classification Sherloc (09022015). Collection method: clinical testing. Allele origin: germline.
Comment: This sequence change creates a premature translational stop signal (p.Leu58*) in the NTRK2 gene. It is expected to result in an absent or disrupted protein product. Loss-of-function variants in NTRK2 are known to be pathogenic (PMID: 23512795, 27884935). This variant is not present in population databases (gnomAD no frequency). This variant has not been reported in the literature in individuals affected with NTRK2-related conditions. ClinVar contains an entry for this variant (Variation ID: 2759466). For these reasons, this variant has been classified as Pathogenic.

Literature cited by the submitters: PubMed 23512795; PubMed 27884935.

NM_006180.6(NTRK2):c.173T>A (p.Leu58Ter)

Gene: NTRK2 (neurotrophic receptor tyrosine kinase 2; plus strand). Cytogenetic location: 9q21.33.
Variant type: single nucleotide variant.
Coding change: c.173T>A on transcript NM_006180.6 (MANE Select); coding-DNA position 173, T replaced by A.
Protein change: p.Leu58Ter; replaces leucine 58 with a stop codon.
Molecular consequence: nonsense.
Genome position (GRCh38, 1-based): chr9:84,670,921, T>A. VCF-style: chr9-84670921-T-A. GRCh37 (hg19) VCF-style: chr9-87285836-T-A.
Other names: c.173T>A, p.Leu58Ter (NM_001007097.3, NM_001018064.3, NM_001018065.2 and 19 more transcripts); short protein forms L58*.
Identifiers: ClinVar variation 2759466 (VCV002759466.3), dbSNP rs747571706, ClinGen allele CA374004889.